The following is an entry in ClinVar:

ClinVar aggregate classification (germline): Uncertain significance. Review status: criteria provided, multiple submitters, no conflicts (2 of 4 stars). 2 submissions from 2 submitters: Uncertain significance (2). Last evaluated 2022-06-13.

Conditions:
Fanconi anemia (FA). Also called: Fanconi's anemia. Identifiers: Orphanet 84, MedGen C0015625, MeSH D005199, MONDO:0019391.
Fanconi anemia complementation group L (FANCL). Also called: FANCL-Related Fanconi Anemia. Identifiers: Orphanet 84, MedGen C3469528, MONDO:0013566, OMIM 614083.

Allele frequency attached by ClinVar (database versions not stated): gnomAD 0.00001; TOPMed 0.00001; ESP Exome Variant Server 0.00008.
gnomAD v4.1: 27 of 1,614,106 alleles (0.0017%); highest among the groups gnomAD compares: Non-Finnish European, 0.0019%; no homozygotes.

Submissions (2):

Labcorp Genetics (formerly Invitae), Labcorp
Classification: Uncertain significance for Fanconi anemia. Last evaluated: 2022-06-13. Review status: criteria provided, single submitter. Criteria: Invitae Variant Classification Sherloc (09022015). Collection method: clinical testing. Allele origin: germline.
Comment: This sequence change replaces arginine, which is basic and polar, with glycine, which is neutral and non-polar, at codon 10 of the FANCL protein (p.Arg10Gly). This variant is present in population databases (rs146690827, gnomAD 0.006%). This variant has not been reported in the literature in individuals affected with FANCL-related conditions. Algorithms developed to predict the effect of missense changes on protein structure and function are either unavailable or do not agree on the potential impact of this missense change (SIFT: "Deleterious"; PolyPhen-2: "Probably Damaging"; Align-GVGD: "Class C15"). In summary, the available evidence is currently insufficient to determine the role of this variant in disease. Therefore, it has been classified as a Variant of Uncertain Significance.

Fulgent Genetics
Classification: Uncertain significance for Fanconi anemia complementation group L. Last evaluated: 2022-01-18. Review status: criteria provided, single submitter. Criteria: ACMG Guidelines, 2015. Collection method: clinical testing. Allele origin: unknown.

NM_018062.4(FANCL):c.28C>G (p.Arg10Gly)

Gene: FANCL (FA complementation group L; minus strand). Cytogenetic location: 2p16.1.
Variant type: single nucleotide variant.
Coding change: c.28C>G on transcript NM_018062.4 (MANE Select); coding-DNA position 28, C replaced by G.
Protein change: p.Arg10Gly; replaces arginine 10 with glycine.
Molecular consequence: missense variant.
Genome position (GRCh38, 1-based): chr2:58,241,286, G>C on the plus strand (C>G on the coding strand, the complement: FANCL is on the minus strand). VCF-style: chr2-58241286-G-C. GRCh37 (hg19) VCF-style: chr2-58468421-G-C.
Other names: c.28C>G, p.Arg10Gly (NM_001114636.2, NM_001374615.1, NM_001410792.1); short protein forms R10G.
Identifiers: ClinVar variation 1390403 (VCV001390403.4), dbSNP rs146690827, ClinGen allele CA1670836.